The following is an entry in ClinVar:

NM_000440.3(PDE6A):c.2369G>A (p.Arg790His)

Gene: PDE6A (phosphodiesterase 6A; minus strand). Cytogenetic location: 5q32.
Variant type: single nucleotide variant.
Coding change: c.2369G>A on transcript NM_000440.3 (MANE Select); coding-DNA position 2369, G replaced by A.
Protein change: p.Arg790His; replaces arginine 790 with histidine.
Molecular consequence: missense variant.
Genome position (GRCh38, 1-based): chr5:149,863,256, C>T on the plus strand (G>A on the coding strand, the complement: PDE6A is on the minus strand). VCF-style: chr5-149863256-C-T. GRCh37 (hg19) VCF-style: chr5-149242819-C-T.
Other names: short protein forms R790H.
Identifiers: ClinVar variation 812056 (VCV000812056.15), dbSNP rs375516599, ClinGen allele CA3504296.
Genomic context (GRCh38, chr5:149,863,256, plus strand): 5'-TTCCACTCCTTGCGATTGTTGGTGATCCCGTCCAACATTGGGGTGATCTCCTCGTGGAAA[C>T]GGGAGAATTCCTAGAAGAGAGAGTATGTGCCTCTGGTGCAAGGGCCAGGCCACAGGGTCT-3'
Protein context (NP_000431.2, residues 780-800): VCTFVYKEFS[Arg790His]FHEEITPMLD

ClinVar aggregate classification (germline): Uncertain significance. Review status: criteria provided, multiple submitters, no conflicts (2 of 4 stars). 4 submissions from 4 submitters: Uncertain significance (4). Last evaluated 2025-02-11.

Conditions:
Retinitis pigmentosa 43 (RP43). Identifiers: Orphanet 791, MedGen C3151139, MONDO:0013437, OMIM 613810.

Allele frequency attached by ClinVar (database versions not stated): gnomAD 0.00002 and 0.00005; TOPMed 0.00002; gnomAD exomes 0.00006 and 0.00012; ESP Exome Variant Server 0.00008; ExAC 0.00013; 1000 Genomes Project 30x 0.00016; 1000 Genomes Project 0.00020.
gnomAD v4.1: 96 of 1,614,160 alleles (0.0059%); highest among the groups gnomAD compares: South Asian, 0.078%; 1 homozygote.

Submissions (4):

Revvity Omics, Revvity
Classification: Uncertain significance for Retinitis pigmentosa 43. Last evaluated: 2025-02-11. Review status: criteria provided, single submitter. Criteria: ACMG Guidelines, 2015. Collection method: clinical testing. Allele origin: germline.

Blueprint Genetics
Classification: Uncertain significance. Last evaluated: 2024-07-17. Review status: criteria provided, single submitter. Criteria: ACMG Guidelines, 2015. Collection method: clinical testing. Allele origin: germline.

Labcorp Genetics (formerly Invitae), Labcorp
Classification: Uncertain significance. Last evaluated: 2023-10-22. Review status: criteria provided, single submitter. Criteria: Invitae Variant Classification Sherloc (09022015). Collection method: clinical testing. Allele origin: germline.
Comment: This sequence change replaces arginine, which is basic and polar, with histidine, which is basic and polar, at codon 790 of the PDE6A protein (p.Arg790His). This variant is present in population databases (rs375516599, gnomAD 0.09%). This missense change has been observed in individual(s) with retinitis pigmentosa (PMID: 33946315). ClinVar contains an entry for this variant (Variation ID: 812056). Advanced modeling of protein sequence and biophysical properties (such as structural, functional, and spatial information, amino acid conservation, physicochemical variation, residue mobility, and thermodynamic stability) has been performed at Invitae for this missense variant, however the output from this modeling did not meet the statistical confidence thresholds required to predict the impact of this variant on PDE6A protein function. In summary, the available evidence is currently insufficient to determine the role of this variant in disease. Therefore, it has been classified as a Variant of Uncertain Significance.

ARUP Laboratories, Molecular Genetics and Genomics, ARUP Laboratories
Classification: Uncertain significance for Retinitis pigmentosa 43. Last evaluated: 2019-06-19. Review status: criteria provided, single submitter. Criteria: ARUP Molecular Germline Variant Investigation Process. Collection method: clinical testing. Allele origin: germline.
Comment: The PDE6A c.2369G>A; p.Arg790His variant (rs375516599), to our knowledge, is not reported in the medical literature or gene-specific databases. The variant is reported in the general population with an allele frequency of 0.01% (32/282858 alleles) in the Genome Aggregation Database. The amino acid at this position is highly conserved and computational analyses (SIFT: Damaging, PolyPhen-2: Benign) predict conflicting effects of this variant on protein structure/function. Due to limited information, the clinical significance of this variant is uncertain at this time.

Literature cited by the submitters: PubMed 33946315 (cited by Labcorp Genetics (formerly Invitae), Labcorp).